The following is an entry in ClinVar:

ClinVar aggregate classification (germline): Uncertain significance (1 of 4 stars; one submission).

Conditions:
Inborn genetic diseases. Identifiers: MedGen C0950123, MeSH D030342.

Submission:

Ambry Genetics
Classification: Uncertain significance for Inborn genetic diseases. Last evaluated: 2025-08-19. Review status: criteria provided, single submitter. Criteria: Ambry Variant Classification Scheme 2023. Collection method: clinical testing. Allele origin: germline.
Comment: The p.A1081S variant (also known as c.3241G>T), located in coding exon 31 of the RTEL1 gene, results from a G to T substitution at nucleotide position 3241. The alanine at codon 1081 is replaced by serine, an amino acid with similar properties. This amino acid position is conserved. In addition, this alteration is predicted to be tolerated by in silico analysis. Based on the available evidence, the clinical significance of this variant remains unclear.

NM_001283009.2(RTEL1):c.3241G>T (p.Ala1081Ser)

Genes: RTEL1 (regulator of telomere elongation helicase 1; plus strand), RTEL1-TNFRSF6B (RTEL1-TNFRSF6B readthrough (NMD candidate); plus strand). Cytogenetic location: 20q13.33.
Variant type: single nucleotide variant.
Coding change: c.3241G>T on transcript NM_001283009.2 (MANE Select); coding-DNA position 3241, G replaced by T.
Protein change: p.Ala1081Ser; replaces alanine 1081 with serine.
Molecular consequence: missense variant. On other transcripts: non-coding transcript variant (1).
Genome position (GRCh38, 1-based): chr20:63,694,872, G>T. VCF-style: chr20-63694872-G-T. GRCh37 (hg19) VCF-style: chr20-62326225-G-T.
Other names: c.2572G>T, p.Ala858Ser (NM_001283010.1); c.3241G>T, p.Ala1081Ser (NM_016434.4); c.3313G>T, p.Ala1105Ser (NM_032957.5); short protein forms A1105S, A1081S, A858S.
Identifiers: ClinVar variation 4157674 (VCV004157674.1).
Genomic context (GRCh38, chr20:63,694,872, plus strand): 5'-AGCGCCTACCTGGCTGATGCCCGCAGGGCCCTGGGGTCCGCGGGCTGTAGCCAACTCTTG[G>T]CAGCGCTGACAGCCTATAAGCAAGACGACGACCTCGACAAGGTGCTGGCTGTGTTGGCCG-3'
Protein context (NP_001269938.1, residues 1071-1091): LGSAGCSQLL[Ala1081Ser]ALTAYKQDDD